The following is an entry in ClinVar:

NM_004181.5(UCHL1):c.172C>T (p.Gln58Ter)

Gene: UCHL1 (ubiquitin C-terminal hydrolase L1; plus strand). Cytogenetic location: 4p13.
Variant type: single nucleotide variant.
Coding change: c.172C>T on transcript NM_004181.5 (MANE Select); coding-DNA position 172, C replaced by T.
Protein change: p.Gln58Ter; replaces glutamine 58 with a stop codon.
Molecular consequence: nonsense.
Genome position (GRCh38, 1-based): chr4:41,257,735, C>T. VCF-style: chr4-41257735-C-T. GRCh37 (hg19) VCF-style: chr4-41259752-C-T.
Other names: short protein forms Q58*.
Identifiers: ClinVar variation 4531939 (VCV004531939.1).
Genomic context (GRCh38, chr4:41,257,735, plus strand): 5'-TCTCTGGGCTCGGTGCCAGCGCCTGCCTGCGCGCTGCTGCTGCTGTTTCCCCTCACGGCC[C>T]AGGTAGGGCGTGGGGCCCAGGATGCGCCGGCCGCCGGCAGTGCACGCCGCTCCCCAGCTT-3'

ClinVar aggregate classification (germline): Pathogenic/Likely pathogenic. Review status: criteria provided, multiple submitters, no conflicts (2 of 4 stars). 2 submissions from 2 submitters: Pathogenic (1); Likely pathogenic (1). Last evaluated 2026-01-06.

Conditions:
Spastic paraplegia 79A, autosomal dominant, with ataxia (SPG79A). Also called: Spastic paraplegia 79A, autosomal dominant. Identifiers: MedGen C5774300, MONDO:0859363, OMIM 620221.

Submissions (2):

Variantyx, Inc.
Classification: Likely pathogenic for Spastic paraplegia 79A, autosomal dominant, with ataxia. Last evaluated: 2026-01-06. Review status: criteria provided, single submitter. Criteria: Variantyx Assertion Criteria 2022. Collection method: clinical testing. Allele origin: germline. Inheritance: Autosomal dominant inheritance. Affected: yes.
Comment: This is a nonsense variant in the UCHL1 gene (OMIM: 191342). Pathogenic variants in this gene have been associated with autosomal dominant spastic paraplegia 79A. This variant introduces a premature termination codon in exon 3 out of 9 and is expected to result in loss of function, which is a known disease mechanism for UCHL1 in this disorder (PMID: 35986737, 39030458) (PVS1). This variant is absent from control populations (PM2). Based on the current evidence, this variant is classified as likely pathogenic for autosomal dominant spastic paraplegia 79A.

Victorian Clinical Genetics Services, Murdoch Childrens Research Institute
Classification: Pathogenic for Spastic paraplegia 79A, autosomal dominant, with ataxia. Last evaluated: 2025-07-15. Review status: criteria provided, single submitter. Criteria: ACMG Guidelines, 2015. Collection method: clinical testing. Allele origin: germline. Affected: yes.
Comment: This variant is classified as Pathogenic. Evidence in support of pathogenic classification: Variant is predicted to cause nonsense-mediated decay (NMD) and loss of protein (premature termination codon is located at least 54 nucleotides upstream of the final exon-exon junction); Variant is absent from gnomAD (v2, v3 and v4); Other NMD-predicted variants comparable to the one identified in this case have very strong previous evidence for pathogenicity (DECIPHER). NMD-predicted variants have been reported in a heterozygous state in individuals with autosomal dominant spastic paraplegia (PMID: 35986737). Additional information: This variant is heterozygous; This gene is associated with both recessive and dominant disease (OMIM); This variant has no previous evidence of pathogenicity; No published segregation evidence has been identified for this variant; No published functional evidence has been identified for this variant; Loss of function is a known mechanism of disease in this gene and is associated with spastic paraplegia 79, autosomal recessive (MIM#615491), and spastic paraplegia 79A, autosomal dominant (MIM#620221).

Literature cited by the submitters: PubMed 35986737 (cited by Variantyx, Inc. and Victorian Clinical Genetics Services, Murdoch Childrens Research Institute); PubMed 39030458 (cited by Variantyx, Inc.).